The following is an entry in ClinVar:

ClinVar aggregate classification (germline): Likely benign. Review status: criteria provided, single submitter (1 of 4 stars). 3 submissions from 3 submitters: Likely benign (1). 2 of the submissions do not count toward it. Last evaluated 2024-08-05.

Conditions:
ASPA-related disorder. Also called: ASPA-related condition.
Spongy degeneration of central nervous system. Also called: Von Bogaert-Bertrand disease; ACY2 DEFICIENCY; AMINOACYLASE 2 DEFICIENCY; ASP DEFICIENCY; ASPA DEFICIENCY; ASPARTOACYLASE DEFICIENCY. Identifiers: Orphanet 141, MedGen C0206307, MONDO:0010079, OMIM 271900.

Allele frequency attached by ClinVar (database versions not stated): gnomAD exomes 0.00001; ExAC 0.00002; gnomAD 0.00001; 1000 Genomes Project 30x 0.00016; 1000 Genomes Project 0.00020.
gnomAD v4.1: 7 of 1,614,230 alleles (0.00043%); highest among the groups gnomAD compares: East Asian, 0.0067%; no homozygotes.

Submissions (3):

Labcorp Genetics (formerly Invitae), Labcorp
Classification: Likely benign for Spongy degeneration of central nervous system. Last evaluated: 2024-08-05. Review status: criteria provided, single submitter. Criteria: Invitae Variant Classification Sherloc (09022015). Collection method: clinical testing. Allele origin: germline.

PreventionGenetics, part of Exact Sciences
Classification: Likely benign for ASPA-related condition. Last evaluated: 2021-06-22. Review status: no assertion criteria provided. Collection method: clinical testing. Allele origin: germline. Not counted in ClinVar's aggregate classification.
Comment: This variant is classified as likely benign based on ACMG/AMP sequence variant interpretation guidelines (Richards et al. 2015 PMID: 25741868, with internal and published modifications).

Natera, Inc.
Classification: Likely benign for Canavan disease. Last evaluated: 2020-09-16. Review status: no assertion criteria provided. Collection method: clinical testing. Allele origin: germline. Not counted in ClinVar's aggregate classification.

NM_000049.4(ASPA):c.852T>C (p.Asn284=)

Genes: ASPA (aspartoacylase; plus strand), SPATA22 (spermatogenesis associated 22; minus strand). Cytogenetic location: 17p13.2.
Variant type: single nucleotide variant.
Coding change: c.852T>C on transcript NM_000049.4 (MANE Select); coding-DNA position 852, T replaced by C.
Protein change: p.Asn284=; no amino-acid change (asparagine 284 retained).
Molecular consequence: synonymous variant. On other transcripts: intron variant (2).
Genome position (GRCh38, 1-based): chr17:3,498,998, T>C. VCF-style: chr17-3498998-T-C. GRCh37 (hg19) VCF-style: chr17-3402292-T-C.
Other names: c.852T>C, p.Asn284= (NM_001128085.1); c.-74+14414A>G (NM_001321336.2, NM_001321337.2).
Identifiers: ClinVar variation 766101 (VCV000766101.14), dbSNP rs370915844, ClinGen allele CA8289052.